The following is an entry in ClinVar:

ClinVar aggregate classification (germline): Uncertain significance (1 of 4 stars; one submission).

Conditions:
Spastic paraplegia. Identifiers: MedGen C0037772, HP:0001258.

gnomAD v4.1: 73 of 1,613,918 alleles (0.0045%); highest among the groups gnomAD compares: Admixed American, 0.0083%; no homozygotes.

Submission:

Labcorp Genetics (formerly Invitae), Labcorp
Classification: Uncertain significance for Spastic paraplegia. Last evaluated: 2025-03-31. Review status: criteria provided, single submitter. Criteria: Invitae Variant Classification Sherloc (09022015). Collection method: clinical testing. Allele origin: germline.
Comment: This sequence change replaces arginine, which is basic and polar, with tryptophan, which is neutral and slightly polar, at codon 116 of the ZFYVE27 protein (p.Arg116Trp). This variant is present in population databases (rs749224650, gnomAD 0.03%). This variant has not been reported in the literature in individuals affected with ZFYVE27-related conditions. An algorithm developed to predict the effect of missense changes on protein structure and function (PolyPhen-2) suggests that this variant is likely to be disruptive. In summary, the available evidence is currently insufficient to determine the role of this variant in disease. Therefore, it has been classified as a Variant of Uncertain Significance.

NM_001385875.1(ZFYVE27):c.346C>T (p.Arg116Trp)

Gene: ZFYVE27 (zinc finger FYVE-type containing 27; plus strand). Cytogenetic location: 10q24.2.
Variant type: single nucleotide variant.
Coding change: c.346C>T on transcript NM_001385875.1 (MANE Select); coding-DNA position 346, C replaced by T.
Protein change: p.Arg116Trp; replaces arginine 116 with tryptophan.
Molecular consequence: missense variant. On other transcripts: non-coding transcript variant (15), intron variant (9).
Genome position (GRCh38, 1-based): chr10:97,744,806, C>T. VCF-style: chr10-97744806-C-T. GRCh37 (hg19) VCF-style: chr10-99504563-C-T.
Other names: c.346C>T, p.Arg116Trp (NM_001002261.4, NM_001002262.4, NM_001385871.1 and 10 more transcripts); c.250C>T, p.Arg84Trp (NM_001174119.2, NM_001385885.1, NM_001385887.1 and 1 more transcripts); c.52C>T, p.Arg18Trp (NM_001174121.2, NM_001385915.1); c.385C>T, p.Arg129Trp (NM_001385876.1); c.310C>T, p.Arg104Trp (NM_001385881.1); c.142C>T, p.Arg48Trp (NM_001385890.1, NM_001385891.1, NM_001385892.1 and 6 more transcripts); c.109C>T, p.Arg37Trp (NM_001385899.1, NM_001385900.1, NM_001385903.1 and 3 more transcripts); c.198-3463C>T (NM_001385902.1, NM_001385908.1, NM_001385901.1 and 3 more transcripts); and 2 more; short protein forms R104W, R116W, R129W, R18W, R37W, R48W, R84W.
Identifiers: ClinVar variation 3625837 (VCV003625837.2).